The following is an entry in ClinVar:

NM_007294.4(BRCA1):c.3354G>T (p.Gln1118His)

Genes: BRCA1 (BRCA1 DNA repair associated; minus strand), LOC126862571 (BRD4-independent group 4 enhancer GRCh37_chr17:41243136-41244335; plus strand). Cytogenetic location: 17q21.31.
Variant type: single nucleotide variant.
Coding change: c.3354G>T on transcript NM_007294.4 (MANE Select); coding-DNA position 3354, G replaced by T.
Protein change: p.Gln1118His; replaces glutamine 1118 with histidine.
Molecular consequence: missense variant. On other transcripts: intron variant (137).
Genome position (GRCh38, 1-based): chr17:43,092,177, C>A on the plus strand (G>T on the coding strand, the complement: BRCA1 is on the minus strand). VCF-style: chr17-43092177-C-A. GRCh37 (hg19) VCF-style: chr17-41244194-C-A.
Other names: 3473G>T; c.3231G>T, p.Gln1077His (NM_001407863.1, NM_001407919.1, NM_001407937.1 and 19 more transcripts); c.3150G>T, p.Gln1050His (NM_001407874.1, NM_001407875.1); c.3144G>T, p.Gln1048His (NM_001407879.1, NM_001407881.1, NM_001407882.1 and 13 more transcripts); c.3141G>T, p.Gln1047His (NM_001407894.1, NM_001407895.1, NM_001407896.1 and 9 more transcripts); c.3090G>T, p.Gln1030His (NM_001407920.1, NM_001407921.1, NM_001407922.1 and 9 more transcripts); c.3087G>T, p.Gln1029His (NM_001407930.1, NM_001407931.1, NM_001407932.1 and 2 more transcripts); c.3228G>T, p.Gln1076His (NM_001407940.1, NM_001407941.1, NM_001407649.1 and 11 more transcripts); and 42 more; short protein forms Q1118H, Q1071H, Q1047H, Q1051H, Q1076H, Q950H, Q990H, Q1029H.
Identifiers: ClinVar variation 37525 (VCV000037525.21), dbSNP rs80357334, ClinGen allele CA002175.

ClinVar aggregate classification (germline): Conflicting classifications of pathogenicity. Review status: criteria provided, conflicting classifications (1 of 4 stars). 7 submissions from 7 submitters: Uncertain significance (3); Likely benign (1). 3 of the submissions do not count toward it. Last evaluated 2024-11-06.

Conditions:
Hereditary cancer-predisposing syndrome. Also called: Tumor predisposition; Neoplastic Syndromes, Hereditary; Hereditary Cancer Syndrome; Hereditary neoplastic syndrome. Identifiers: Orphanet 140162, MedGen C0027672, MeSH D009386, MONDO:0015356.
Hereditary breast ovarian cancer syndrome. Also called: Hereditary breast and ovarian cancer syndrome (HBOC); Hereditary breast and ovarian cancer syndrome; Hereditary breast and ovarian cancer; Hereditary breast and/or ovarian cancer syndrome; Breast and ovarian cancer; BRCA1- and BRCA2-Associated Hereditary Breast and Ovarian Cancer. Identifiers: Orphanet 145, MedGen C0677776, MeSH D061325, MONDO:0003582. Disease mechanism: loss of function.
Breast-ovarian cancer, familial, susceptibility to, 1 (BROVCA1). Also called: OVARIAN CANCER, SUSCEPTIBILITY TO; BRCA1 Hereditary Breast and Ovarian Cancer. Identifiers: Orphanet 145, MedGen C2676676, MONDO:0011450, OMIM 604370. Disease mechanism: loss of function.

Allele frequency attached by ClinVar (database versions not stated): gnomAD exomes below 0.00001.
gnomAD v4.1: 4 of 1,613,290 alleles (0.00025%); highest among the groups gnomAD compares: Non-Finnish European, 0.00034%; no homozygotes.

Submissions (7):

Ambry Genetics
Classification: Uncertain significance for Hereditary cancer-predisposing syndrome. Last evaluated: 2024-11-06. Review status: criteria provided, single submitter. Criteria: Ambry Variant Classification Scheme 2023. Collection method: clinical testing. Allele origin: germline.
Comment: The p.Q1118H variant (also known as c.3354G>T), located in coding exon 9 of the BRCA1 gene, results from a G to T substitution at nucleotide position 3354. The glutamine at codon 1118 is replaced by histidine, an amino acid with highly similar properties. This amino acid position is not well conserved in available vertebrate species. In addition, the in silico prediction for this alteration is inconclusive. Based on the available evidence, the clinical significance of this variant remains unclear.

Labcorp Genetics (formerly Invitae), Labcorp
Classification: Uncertain significance for Hereditary breast ovarian cancer syndrome. Last evaluated: 2023-07-12. Review status: criteria provided, single submitter. Criteria: Invitae Variant Classification Sherloc (09022015). Collection method: clinical testing. Allele origin: germline.
Comment: Advanced modeling of protein sequence and biophysical properties (such as structural, functional, and spatial information, amino acid conservation, physicochemical variation, residue mobility, and thermodynamic stability) performed at Invitae indicates that this missense variant is not expected to disrupt BRCA1 protein function. This sequence change replaces glutamine, which is neutral and polar, with histidine, which is basic and polar, at codon 1118 of the BRCA1 protein (p.Gln1118His). This variant is not present in population databases (gnomAD no frequency). This missense change has been observed in individual(s) with Breast Cancer Information Core database (PMID: 10923033). ClinVar contains an entry for this variant (Variation ID: 37525). In summary, the available evidence is currently insufficient to determine the role of this variant in disease. Therefore, it has been classified as a Variant of Uncertain Significance.

University of Washington Department of Laboratory Medicine, University of Washington
Classification: Likely benign for Hereditary cancer-predisposing syndrome. Last evaluated: 2023-03-23. Review status: criteria provided, single submitter. Criteria: Dines et al. (Genet Med. 2020). Collection method: curation. Allele origin: germline.
Comment: Missense variant in a coldspot region where missense variants are very unlikely to be pathogenic (PMID:31911673).

BRCA1 coldspot (exon 11 using historical exon numbering). Reclassification based on statistical prior probability

Women's Health and Genetics/Laboratory Corporation of America, LabCorp
Classification: Uncertain significance. Last evaluated: 2016-10-13. Review status: criteria provided, single submitter. Criteria: LabCorp Variant Classification Summary - May 2015. Collection method: clinical testing. Allele origin: germline.
Comment: Variant summary: The BRCA1 c.3354G>T (p.Gln1118His) variant involves the alteration of a non-conserved nucleotide. This variant is not located in any known domain (InterPro). 2/4 in silico tools predict a benign outcome for this variant. This variant is absent from 121140 control chromosomes from ExAC. The variant has been reported to co-occur with a known deleterious variant BRCA1 p.W1508X (BIC). This data strongly supports a benign outcome of Q1118H. Multiple clinical diagnostic laboratories have classified this variant as uncertain significance without evidence to independently evaluate. Taken together, this variant is classified as VUS-possibly benign variant based on two independent records of co-occurrence with the same pathgenic variant.

Counsyl
Classification: Uncertain significance for Breast-ovarian cancer, familial, susceptibility to, 1. Last evaluated: 2016-01-07. Review status: no assertion criteria provided. Collection method: clinical testing. Allele origin: unknown. Not counted in ClinVar's aggregate classification.

Sharing Clinical Reports Project (SCRP)
Classification: Uncertain significance for Breast-ovarian cancer, familial 1. Last evaluated: 2012-04-18. Review status: no assertion criteria provided. Collection method: clinical testing. Allele origin: germline. Not counted in ClinVar's aggregate classification.

Breast Cancer Information Core (BIC) (BRCA1)
Classification: Uncertain significance for Breast-ovarian cancer, familial 1. Last evaluated: 2003-12-23. Review status: no assertion criteria provided. Collection method: clinical testing. Allele origin: germline. Affected: yes. Observed: 1 variant allele. Not counted in ClinVar's aggregate classification.

Literature cited by the submitters: PubMed 10923033 (cited by Labcorp Genetics (formerly Invitae), Labcorp); PubMed 16267036 (cited by Women's Health and Genetics/Laboratory Corporation of America, LabCorp and Counsyl); PubMed 15385441 (cited by Women's Health and Genetics/Laboratory Corporation of America, LabCorp and Counsyl); PubMed 25348012 (cited by Counsyl).